The following is an entry in ClinVar:

NM_177438.3(DICER1):c.1329_1344del (p.Cys443fs)

Gene: DICER1 (dicer 1, ribonuclease III; minus strand). Cytogenetic location: 14q32.13.
Variant type: Deletion.
Coding change: c.1329_1344del on transcript NM_177438.3 (MANE Select); coding-DNA positions 1329 to 1344, 16 bases deleted (CGGAATTATTTTTGTG).
Protein change: p.Cys443fs; shifts the reading frame from cysteine 443.
Molecular consequence: frameshift variant.
Genome position (GRCh38, 1-based): chr14:95,124,228-95,124,243, CACAAAAATAATTCCG deleted on the plus strand (CGGAATTATTTTTGTG on the coding strand, the reverse complement: DICER1 is on the minus strand); deleting any 16 consecutive bases within chr14:95,124,228-95,124,250 gives the same sequence; the c. name uses the placement nearest the transcript's 3' end. VCF-style (leftmost placement, unchanged base first): chr14-95124227-CCACAAAAATAATTCCG-C. GRCh37 (hg19) VCF-style: chr14-95590564-CCACAAAAATAATTCCG-C.
Other names: c.1329_1344del16 (NM_177438.2); c.1329_1344del, p.Cys443fs (NM_001195573.1, NM_001271282.3, NM_001291628.2 and 1 more transcripts); short protein forms C443fs.
Identifiers: ClinVar variation 690437 (VCV000690437.12), dbSNP rs1595438051, ClinGen allele CA915946415.

ClinVar aggregate classification (germline): Pathogenic. Review status: criteria provided, multiple submitters, no conflicts (2 of 4 stars). 4 submissions from 4 submitters: Pathogenic (4). Last evaluated 2022-04-21.

Conditions:
Hereditary cancer-predisposing syndrome. Also called: Neoplastic Syndromes, Hereditary; Tumor predisposition; Hereditary neoplastic syndrome; Hereditary Cancer Syndrome. Identifiers: Orphanet 140162, MedGen C0027672, MeSH D009386, MONDO:0015356.
DICER1-related tumor predisposition. Also called: DICER1-related pleuropulmonary blastoma cancer predisposition syndrome; DICER1 syndrome. Identifiers: Orphanet 284343, MedGen C3839822, MONDO:0100216.

Submissions (4):

Labcorp Genetics (formerly Invitae), Labcorp
Classification: Pathogenic for DICER1-related tumor predisposition. Last evaluated: 2022-04-21. Review status: criteria provided, single submitter. Criteria: Invitae Variant Classification Sherloc (09022015). Collection method: clinical testing. Allele origin: germline.
Comment: For these reasons, this variant has been classified as Pathogenic. ClinVar contains an entry for this variant (Variation ID: 690437). This premature translational stop signal has been observed in individual(s) with follicular hyperplasia (PMID: 28323992). This variant is not present in population databases (gnomAD no frequency). This sequence change creates a premature translational stop signal (p.Cys443Trpfs*10) in the DICER1 gene. It is expected to result in an absent or disrupted protein product. Loss-of-function variants in DICER1 are known to be pathogenic (PMID: 19556464, 21266384).

Ambry Genetics
Classification: Pathogenic for Hereditary cancer-predisposing syndrome. Last evaluated: 2021-11-30. Review status: criteria provided, single submitter. Criteria: Ambry Variant Classification Scheme 2023. Collection method: clinical testing. Allele origin: germline.
Comment: The c.1329_1344del16 pathogenic mutation, located in coding exon 7 of the DICER1 gene, results from a deletion of 16 nucleotides at nucleotide positions 1329 to 1344, causing a translational frameshift with a predicted alternate stop codon (p.C443Wfs*10). This alteration has been observed in at least one individual with a personal and/or family history that is consistent with DICER1-related disease (Ambry internal data). This variant is considered to be rare based on population cohorts in the Genome Aggregation Database (gnomAD). This alteration is expected to result in loss of function by premature protein truncation or nonsense-mediated mRNA decay. As such, this alteration is interpreted as a disease-causing mutation.

PreventionGenetics, part of Exact Sciences
Classification: Pathogenic. Last evaluated: 2020-04-13. Review status: criteria provided, single submitter. Criteria: ACMG Guidelines, 2015. Collection method: clinical testing. Allele origin: germline.

Foulkes Cancer Genetics LDI, Lady Davis Institute for Medical Research
Classification: Pathogenic for Pleuropulmonary blastoma. Last evaluated: 2019-07-01. Review status: criteria provided, single submitter. Criteria: ACMG Guidelines, 2015. Collection method: curation. Allele origin: germline. Affected: yes. Observed: 1 variant allele.
Comment: ACMG criteria met: PVS1, PM2, PM7

Literature cited by the submitters: PubMed 28323992 (cited by Labcorp Genetics (formerly Invitae), Labcorp and Foulkes Cancer Genetics LDI, Lady Davis Institute for Medical Research); PubMed 19556464 (cited by Labcorp Genetics (formerly Invitae), Labcorp); PubMed 21266384 (cited by Labcorp Genetics (formerly Invitae), Labcorp).